The following is an entry in ClinVar:

ClinVar aggregate classification (germline): Likely benign. Review status: criteria provided, multiple submitters, no conflicts (2 of 4 stars). 3 submissions from 3 submitters: Likely benign (3). Last evaluated 2025-03-26.

Conditions:
Hereditary cancer-predisposing syndrome. Also called: Neoplastic Syndromes, Hereditary; Hereditary Cancer Syndrome; Hereditary neoplastic syndrome; Tumor predisposition. Identifiers: Orphanet 140162, MedGen C0027672, MeSH D009386, MONDO:0015356.
Peutz-Jeghers syndrome (PJS). Also called: Peutz-Jeghers polyposis; Periorificial lentiginosis syndrome; POLYPOSIS, HAMARTOMATOUS INTESTINAL; POLYPS-AND-SPOTS SYNDROME. Identifiers: Orphanet 2869, MedGen C0031269, MeSH D010580, MONDO:0008280, OMIM 175200.

Allele frequency attached by ClinVar (database versions not stated): gnomAD 0.00001; TOPMed 0.00001.

Submissions (3):

Myriad Genetics, Inc.
Classification: Likely benign for Peutz-Jeghers syndrome. Last evaluated: 2025-03-26. Review status: criteria provided, single submitter. Criteria: Myriad Autosomal Dominant, Autosomal Recessive and X-Linked Classification Criteria (2023). Collection method: clinical testing. Allele origin: unknown.
Comment: This variant is considered likely benign. This variant is intronic and is not expected to impact mRNA splicing.

Labcorp Genetics (formerly Invitae), Labcorp
Classification: Likely benign for Peutz-Jeghers syndrome. Last evaluated: 2024-03-28. Review status: criteria provided, single submitter. Criteria: Invitae Variant Classification Sherloc (09022015). Collection method: clinical testing. Allele origin: germline.

Ambry Genetics
Classification: Likely benign for Hereditary cancer-predisposing syndrome. Last evaluated: 2014-05-01. Review status: criteria provided, single submitter. Criteria: Ambry Autosomal Dominant and X-Linked criteria (10/2015). Collection method: clinical testing. Allele origin: germline. Observed: 1 variant allele.

NM_000455.5(STK11):c.598-17G>A

Gene: STK11 (serine/threonine kinase 11; plus strand). Cytogenetic location: 19p13.3.
Variant type: single nucleotide variant.
Coding change: c.598-17G>A on transcript NM_000455.5 (MANE Select); 17 bases into the intron before coding-DNA position 598, G replaced by A.
Molecular consequence: intron variant.
Genome position (GRCh38, 1-based): chr19:1,220,564, G>A. VCF-style: chr19-1220564-G-A. GRCh37 (hg19) VCF-style: chr19-1220563-G-A.
Identifiers: ClinVar variation 141285 (VCV000141285.12), dbSNP rs587781631, ClinGen allele CA023116.